The following is an entry in ClinVar:

NM_000069.3(CACNA1S):c.3132C>A (p.Phe1044Leu)

Gene: CACNA1S (calcium voltage-gated channel subunit alpha1 S; minus strand). Cytogenetic location: 1q32.1.
Variant type: single nucleotide variant.
Coding change: c.3132C>A on transcript NM_000069.3 (MANE Select); coding-DNA position 3132, C replaced by A.
Protein change: p.Phe1044Leu; replaces phenylalanine 1044 with leucine.
Molecular consequence: missense variant.
Genome position (GRCh38, 1-based): chr1:201,061,390, G>T on the plus strand (C>A on the coding strand, the complement: CACNA1S is on the minus strand). VCF-style: chr1-201061390-G-T. GRCh37 (hg19) VCF-style: chr1-201030518-G-T.
Other names: short protein forms F1044L.
Identifiers: ClinVar variation 3072609 (VCV003072609.1), dbSNP rs769041007, ClinGen allele CA36007365.

ClinVar aggregate classification (germline): Uncertain significance (1 of 4 stars; one submission).

Conditions:
Malignant hyperthermia, susceptibility to, 5 (MHS5). Also called: CACNA1S-Related Malignant Hyperthermia Susceptibility. Identifiers: Orphanet 423, MedGen C1866077, MONDO:0011163, OMIM 601887.

Allele frequency attached by ClinVar (database versions not stated): gnomAD exomes 0.00001.
gnomAD v4.1: 10 of 1,614,226 alleles (0.00062%); highest among the groups gnomAD compares: Non-Finnish European, 0.00085%; no homozygotes.

Submission:

All of Us Research Program, National Institutes of Health
Classification: Uncertain significance for Malignant hyperthermia, susceptibility to, 5. Last evaluated: 2023-08-08. Review status: criteria provided, single submitter. Criteria: ACMG Guidelines, 2015. Collection method: clinical testing. Allele origin: germline. Inheritance: Autosomal dominant inheritance. Observed: 1 variant allele, 1 heterozygote.
Comment: This missense variant replaces phenylalanine with leucine at codon 1044 of the CACNA1S protein. Computational prediction suggests that this variant may have deleterious impact on protein structure and function (internally defined REVEL score threshold >= 0.7, PMID: 27666373). To our knowledge, functional studies have not been reported for this variant. This variant has not been reported in individuals affected with CACNA1S-related disorders in the literature. This variant has not been identified in the general population by the Genome Aggregation Database (gnomAD). The available evidence is insufficient to determine the role of this variant in disease conclusively. Therefore, this variant is classified as a Variant of Uncertain Significance.

This study involves interpretation of variants in research participants for the purpose of population health screening. Participant phenotype was not available at the time of variant classification. Additional details can be found in publication PMID: 35346344, PMCID: PMC8962531